The following is an entry in ClinVar:

ClinVar aggregate classification (germline): Uncertain significance (1 of 4 stars; one submission).

Submission:

GeneDx
Classification: Uncertain significance. Last evaluated: 2022-06-03. Review status: criteria provided, single submitter. Criteria: GeneDx Variant Classification Process June 2021. Collection method: clinical testing. Allele origin: germline. Affected: yes.
Comment: Not observed at significant frequency in large population cohorts (gnomAD); Has not been previously published as pathogenic or benign to our knowledge; In silico analysis supports that this missense variant does not alter protein structure/function; In-silico analysis is inconclusive as to whether the variant alters gene splicing. In the absence of RNA/functional studies, the actual effect of this sequence change is unknown.

NM_001813.3(CENPE):c.8041G>C (p.Asp2681His)

Gene: CENPE (centromere protein E; minus strand). Cytogenetic location: 4q24.
Variant type: single nucleotide variant.
Coding change: c.8041G>C on transcript NM_001813.3 (MANE Select); coding-DNA position 8041, G replaced by C.
Protein change: p.Asp2681His; replaces aspartic acid 2681 with histidine.
Molecular consequence: missense variant.
Genome position (GRCh38, 1-based): chr4:103,106,287, C>G on the plus strand (G>C on the coding strand, the complement: CENPE is on the minus strand). VCF-style: chr4-103106287-C-G. GRCh37 (hg19) VCF-style: chr4-104027444-C-G.
Other names: c.7678G>C, p.Asp2560His (NM_001286734.2); short protein forms D2560H, D2681H.
Identifiers: ClinVar variation 1803642 (VCV001803642.1), dbSNP rs2477204211, ClinGen allele CA357774262.